The following is an entry in ClinVar:

NM_130783.5(TSPAN18):c.276G>T (p.Leu92=)

Gene: TSPAN18 (tetraspanin 18; plus strand). Cytogenetic location: 11p11.2.
Variant type: single nucleotide variant.
Coding change: c.276G>T on transcript NM_130783.5 (MANE Select); coding-DNA position 276, G replaced by T.
Protein change: p.Leu92=; no amino-acid change (leucine 92 retained).
Molecular consequence: synonymous variant.
Genome position (GRCh38, 1-based): chr11:44,917,989, G>T. VCF-style: chr11-44917989-G-T. GRCh37 (hg19) VCF-style: chr11-44939540-G-T.
Other names: NC_000011.9:g.44939540G>T.
Identifiers: ClinVar variation 3045096 (VCV003045096.3), dbSNP rs142957647, ClinGen allele CA5956427.

ClinVar aggregate classification (germline): Likely benign (0 of 4 stars; one submission).

Conditions:
TSPAN18-related disorder. Also called: TSPAN18-related condition.

Allele frequency attached by ClinVar (database versions not stated): gnomAD 0.00004; gnomAD exomes 0.00005; TOPMed 0.00005; ExAC 0.00007; ESP Exome Variant Server 0.00015.
gnomAD v4.1: 84 of 1,614,056 alleles (0.0052%); highest among the groups gnomAD compares: Middle Eastern, 0.016%; no homozygotes.

Submissions (2):

PreventionGenetics, part of Exact Sciences
Classification: Likely benign for TSPAN18-related condition. Last evaluated: 2019-11-08. Review status: no assertion criteria provided. Collection method: clinical testing. Allele origin: germline.
Comment: This variant is classified as likely benign based on ACMG/AMP sequence variant interpretation guidelines (Richards et al. 2015 PMID: 25741868, with internal and published modifications).

Dr. Peter K. Rogan Lab, Western University
No classification provided (evidence only). Condition: Ovarian serous cystadenocarcinoma. Review status: no classification provided. Collection method: in vitro. Allele origin: not applicable. Functional consequence: retained intron. Not counted in ClinVar's aggregate classification.